The following is an entry in ClinVar:

NM_212482.4(FN1):c.5134A>C (p.Ser1712Arg)

Gene: FN1 (fibronectin 1; minus strand). Cytogenetic location: 2q35.
Variant type: single nucleotide variant.
Coding change: c.5134A>C on transcript NM_212482.4 (MANE Select); coding-DNA position 5134, A replaced by C.
Protein change: p.Ser1712Arg; replaces serine 1712 with arginine.
Molecular consequence: missense variant.
Genome position (GRCh38, 1-based): chr2:215,382,242, T>G on the plus strand (A>C on the coding strand, the complement: FN1 is on the minus strand). VCF-style: chr2-215382242-T-G. GRCh37 (hg19) VCF-style: chr2-216246965-T-G.
Other names: c.5134A>C, p.Ser1712Arg (NM_001306129.2, NM_001306130.2, NM_001365517.2 and 3 more transcripts); c.4861A>C, p.Ser1621Arg (NM_001306131.2, NM_001306132.2, NM_001365518.2 and 7 more transcripts); short protein forms S1712R, S1621R.
Identifiers: ClinVar variation 3694176 (VCV003694176.2).

ClinVar aggregate classification (germline): Uncertain significance (1 of 4 stars; one submission).

gnomAD v4.1: 1 of 1,613,658 alleles (0.000062%); highest among the groups gnomAD compares: Non-Finnish European, 0.000085%; no homozygotes.

Submission:

Labcorp Genetics (formerly Invitae), Labcorp
Classification: Uncertain significance. Last evaluated: 2024-05-06. Review status: criteria provided, single submitter. Criteria: Invitae Variant Classification Sherloc (09022015). Collection method: clinical testing. Allele origin: germline.
Comment: This sequence change replaces serine, which is neutral and polar, with arginine, which is basic and polar, at codon 1712 of the FN1 protein (p.Ser1712Arg). This variant is not present in population databases (gnomAD no frequency). This variant has not been reported in the literature in individuals affected with FN1-related conditions. An algorithm developed to predict the effect of missense changes on protein structure and function (PolyPhen-2) suggests that this variant is likely to be disruptive. In summary, the available evidence is currently insufficient to determine the role of this variant in disease. Therefore, it has been classified as a Variant of Uncertain Significance.